The following is an entry in ClinVar:

NM_006218.4(PIK3CA):c.3203dup (p.Asn1068fs)

Gene: PIK3CA (phosphatidylinositol-4,5-bisphosphate 3-kinase catalytic subunit alpha; plus strand). Cytogenetic location: 3q26.32.
Variant type: Duplication.
Coding change: c.3203dup on transcript NM_006218.4 (MANE Select); coding-DNA position 3203, one base duplicated (A; older notation c.3203dupA).
Protein change: p.Asn1068fs; shifts the reading frame from asparagine 1068.
Molecular consequence: frameshift variant.
Genome position (GRCh38, 1-based): chr3:179,234,360, A duplicated; the last of 2 consecutive A bases (chr3:179,234,359-179,234,360); duplicating either gives the same sequence. VCF-style (leftmost placement, unchanged base first): chr3-179234358-G-GA. GRCh37 (hg19) VCF-style: chr3-178952146-G-GA.
Other names: c.3203dup (LRG_310t1); short protein forms N1068fs.
Identifiers: ClinVar variation 13658 (VCV000013658.3), dbSNP rs587776802, ClinGen allele CA123341.

ClinVar aggregate classification (germline): Likely pathogenic. Review status: criteria provided, single submitter (1 of 4 stars). 3 submissions from 2 submitters: Likely pathogenic (1). 2 of the submissions do not count toward it. Last evaluated 2023-08-21.

Conditions:
PIK3CA related overgrowth syndrome. Also called: PIK3CA-Related Segmental Overgrowth; PIK3CA related overgrowth spectrum. Identifiers: Orphanet 530313, MedGen C4728213, MONDO:1040002.
Gastric cancer. Also called: Stomach cancer; Malignant tumor of stomach. Identifiers: MedGen C0024623, MeSH D013274, MONDO:0001056, OMIM 613659, HP:0012126.
Hepatocellular carcinoma (HCC). Also called: Primary carcinoma of liver; HEPATOMA; LIVER CELL CARCINOMA. Identifiers: Orphanet 88673, MedGen C2239176, MONDO:0007256, OMIM 114550, HP:0001402.

Submissions (3):

Clinical Genomics Laboratory, Washington University in St. Louis
Classification: Likely pathogenic for PIK3CA-related overgrowth syndrome. Last evaluated: 2023-08-21. Review status: criteria provided, single submitter. Criteria: ACMG Guidelines, 2015. Collection method: clinical testing. Allele origin: somatic. Affected: yes.
Comment: The PIK3CA c.3203dup (p.Asn1068LysfsTer5) variant was identified at an allelic fraction consistent with somatic origin. This variant has been reported in individuals with lung, breast, liver, and bladder cancers (Youssef O et al., PMID: 2819998; Miron A et al., PMID: 20551053; Cizkova Met al., PMID: 22330809; Kachrilas S et al., PMID: 30941989); however, to our knowledge, this variant has not been reported in individuals affected with PIK3CA-Related Overgrowth Spectrum (PROS) disorders. This variant has been reported in multiple cases in the cancer database COSMIC (Genomic Mutation ID: COSV55878665). The PIK3CA c.3203dup (p.Asn1068LysfsTer5) variant is absent from the general population (gnomAD v.2.1.1), indicating it is not a common variant. The PIK3CA c.3203dup (p.Asn1068LysfsTer5) variant resides within the C-terminal chain, A1052-A1068, of PIK3CA. This variant results in increased cell proliferation, migration, and Akt phosphorylation compared to wild-type gene product and increased transformation ability in several different cell lines in culture (Jin N et al., PMID: 34779417; Ng PK et al., PMID: 29533785). This variant causes a frameshift by duplicating a single nucleotide; however, because this occurs in the last exon, this is not predicted to lead to nonsense-mediated decay. A large number of PI3K/AKT pathway inhibitors are currently under clinical study in both PROS disorders and cancer (Jin N et al., PMID: 34779417; Venot Q et al., PMID: 29899452; Parker VER et al., PMID: 30270358). Based on an internally-developed protocol informed by the ACMG/AMP guidelines (Richards S et al., PMID: 25741868) and gene-specific practices from the ClinGen Criteria Specification Registry, the PIK3CA c.3203dup (p.Asn1068LysfsTer5) variant is classified as likely pathogenic.

OMIM
Classification: Pathogenic for HEPATOCELLULAR CARCINOMA, SOMATIC. Last evaluated: 2005-02-17. Review status: no assertion criteria provided. Collection method: literature only. Allele origin: somatic. Not counted in ClinVar's aggregate classification.

OMIM
Classification: Pathogenic for GASTRIC CANCER, SOMATIC. Last evaluated: 2005-02-17. Review status: no assertion criteria provided. Collection method: literature only. Allele origin: somatic. Not counted in ClinVar's aggregate classification.

Literature cited by the submitters: PubMed 15608678 (cited by OMIM).